The following is an entry in ClinVar:

ClinVar aggregate classification (germline): Uncertain significance. Review status: criteria provided, multiple submitters, no conflicts (2 of 4 stars). 2 submissions from 2 submitters: Uncertain significance (2). Last evaluated 2025-04-10.

Conditions:
Cardiovascular phenotype. Identifiers: MedGen CN230736.

Allele frequency attached by ClinVar (database versions not stated): TOPMed below 0.00001; gnomAD exomes below 0.00001; ExAC 0.00001; gnomAD 0.00001.

Submissions (2):

Ambry Genetics
Classification: Uncertain significance for Cardiovascular phenotype. Last evaluated: 2025-04-10. Review status: criteria provided, single submitter. Criteria: Ambry Variant Classification Scheme 2023. Collection method: clinical testing. Allele origin: germline.
Comment: The p.N4327Y variant (also known as c.12979A>T), located in coding exon 29 of the APOB gene, results from an A to T substitution at nucleotide position 12979. The asparagine at codon 4327 is replaced by tyrosine, an amino acid with dissimilar properties. This amino acid position is conserved. In addition, this alteration is predicted to be tolerated by in silico analysis. Since supporting evidence is limited at this time, the clinical significance of this alteration remains unclear.

Quest Diagnostics Nichols Institute San Juan Capistrano
Classification: Uncertain significance. Last evaluated: 2021-03-30. Review status: criteria provided, single submitter. Criteria: Quest Diagnostics criteria. Collection method: clinical testing. Allele origin: unknown.

NM_000384.3(APOB):c.12979A>T (p.Asn4327Tyr)

Gene: APOB (apolipoprotein B; minus strand). Cytogenetic location: 2p24.1.
Variant type: single nucleotide variant.
Coding change: c.12979A>T on transcript NM_000384.3 (MANE Select); coding-DNA position 12979, A replaced by T.
Protein change: p.Asn4327Tyr; replaces asparagine 4327 with tyrosine.
Molecular consequence: missense variant.
Genome position (GRCh38, 1-based): chr2:21,002,443, T>A on the plus strand (A>T on the coding strand, the complement: APOB is on the minus strand). VCF-style: chr2-21002443-T-A. GRCh37 (hg19) VCF-style: chr2-21225315-T-A.
Other names: short protein forms N4327Y.
Identifiers: ClinVar variation 920529 (VCV000920529.6), dbSNP rs755734023, ClinGen allele CA051623.